The following is an entry in ClinVar:

NM_001367721.1(CASK):c.2125A>G (p.Lys709Glu)

Gene: CASK (calcium/calmodulin dependent serine protein kinase; minus strand). Cytogenetic location: Xp11.4.
Variant type: single nucleotide variant.
Coding change: c.2125A>G on transcript NM_001367721.1 (MANE Select); coding-DNA position 2125, A replaced by G.
Protein change: p.Lys709Glu; replaces lysine 709 with glutamic acid.
Molecular consequence: missense variant.
Genome position (GRCh38, 1-based): chrX:41,542,721, T>C on the plus strand (A>G on the coding strand, the complement: CASK is on the minus strand). VCF-style: chrX-41542721-T-C. GRCh37 (hg19) VCF-style: chrX-41401974-T-C.
Other names: c.2056A>G, p.Lys686Glu (NM_001126054.3); c.2038A>G, p.Lys680Glu (NM_001126055.3); c.2107A>G, p.Lys703Glu (NM_001410745.1); c.2125A>G, p.Lys709Glu (NM_003688.4); short protein forms K709E, K686E, K680E, K703E.
Identifiers: ClinVar variation 3712423 (VCV003712423.2).
Genomic context (GRCh38, chrX:41,542,721, plus strand): 5'-AGCCTCAGTAACAGTTGTGCTTTTCCCTACCTGCATTGTGCTTTGCCAAATATTTATCTT[T>C]GTACTGCTTCTTTTTCTTGCCAAACCAAGTACAGCTGGCCTGCTGCTCCTGTTTGGTCTT-3'
Protein context (NP_001354650.1, residues 699-719): TWFGKKKKQY[Lys709Glu]DKYLAKHNAV

ClinVar aggregate classification (germline): Uncertain significance (1 of 4 stars; one submission).

Conditions:
Intellectual disability, CASK-related, X-linked. Identifiers: MedGen CN043158.

gnomAD v4.1: 1 of 1,208,071 alleles (0.000083%); highest among the groups gnomAD compares: Admixed American, 0.0022%; no homozygotes.

Submission:

Labcorp Genetics (formerly Invitae), Labcorp
Classification: Uncertain significance for Intellectual disability, CASK-related, X-linked. Last evaluated: 2025-01-17. Review status: criteria provided, single submitter. Criteria: Invitae Variant Classification Sherloc (09022015). Collection method: clinical testing. Allele origin: germline.
Comment: This sequence change replaces lysine, which is basic and polar, with glutamic acid, which is acidic and polar, at codon 709 of the CASK protein (p.Lys709Glu). This variant is not present in population databases (gnomAD no frequency). This variant has not been reported in the literature in individuals affected with CASK-related conditions. Invitae Evidence Modeling of protein sequence and biophysical properties (such as structural, functional, and spatial information, amino acid conservation, physicochemical variation, residue mobility, and thermodynamic stability) indicates that this missense variant is not expected to disrupt CASK protein function with a negative predictive value of 80%. In summary, the available evidence is currently insufficient to determine the role of this variant in disease. Therefore, it has been classified as a Variant of Uncertain Significance.